The following is an entry in ClinVar:

NM_025132.4(WDR19):c.3511A>G (p.Lys1171Glu)

Gene: WDR19 (WD repeat domain 19; plus strand). Cytogenetic location: 4p14.
Variant type: single nucleotide variant.
Coding change: c.3511A>G on transcript NM_025132.4 (MANE Select); coding-DNA position 3511, A replaced by G.
Protein change: p.Lys1171Glu; replaces lysine 1171 with glutamic acid.
Molecular consequence: missense variant.
Genome position (GRCh38, 1-based): chr4:39,273,007, A>G. VCF-style: chr4-39273007-A-G. GRCh37 (hg19) VCF-style: chr4-39274627-A-G.
Other names: c.3031A>G, p.Lys1011Glu (NM_001317924.2); short protein forms K1011E, K1171E.
Identifiers: ClinVar variation 1984484 (VCV001984484.4), dbSNP rs2475399336, ClinGen allele CA356647268.

ClinVar aggregate classification (germline): Uncertain significance (1 of 4 stars; one submission).

Conditions:
Asphyxiating thoracic dystrophy 5 (SRTD5). Also called: SHORT-RIB THORACIC DYSPLASIA 5 WITH OR WITHOUT POLYDACTYLY; SHORT-RIB THORACIC DYSPLASIA 5 WITHOUT POLYDACTYLY. Identifiers: Orphanet 474, MedGen C3280598, MONDO:0013717, OMIM 614376.
Senior-Loken syndrome 8 (SLSN8). Identifiers: Orphanet 3156, MedGen C4225376, MONDO:0014579, OMIM 616307.

Submission:

Labcorp Genetics (formerly Invitae), Labcorp
Classification: Uncertain significance for Senior-Loken syndrome 8; Asphyxiating thoracic dystrophy 5. Last evaluated: 2022-08-12. Review status: criteria provided, single submitter. Criteria: Invitae Variant Classification Sherloc (09022015). Collection method: clinical testing. Allele origin: germline.
Comment: In summary, the available evidence is currently insufficient to determine the role of this variant in disease. Therefore, it has been classified as a Variant of Uncertain Significance. Algorithms developed to predict the effect of missense changes on protein structure and function are either unavailable or do not agree on the potential impact of this missense change (SIFT: "Tolerated"; PolyPhen-2: "Possibly Damaging"; Align-GVGD: "Class C0"). This variant has not been reported in the literature in individuals affected with WDR19-related conditions. This variant is not present in population databases (gnomAD no frequency). This sequence change replaces lysine, which is basic and polar, with glutamic acid, which is acidic and polar, at codon 1171 of the WDR19 protein (p.Lys1171Glu).